The following is an entry in ClinVar:

NM_001690.4(ATP6V1A):c.1270G>A (p.Ala424Thr)

Gene: ATP6V1A (ATPase H+ transporting V1 subunit A; plus strand). Cytogenetic location: 3q13.31.
Variant type: single nucleotide variant.
Coding change: c.1270G>A on transcript NM_001690.4 (MANE Select); coding-DNA position 1270, G replaced by A.
Protein change: p.Ala424Thr; replaces alanine 424 with threonine.
Molecular consequence: missense variant.
Genome position (GRCh38, 1-based): chr3:113,795,919, G>A. VCF-style: chr3-113795919-G-A. GRCh37 (hg19) VCF-style: chr3-113514766-G-A.
Other names: short protein forms A424T.
Identifiers: ClinVar variation 2444775 (VCV002444775.1), dbSNP rs2549724292, ClinGen allele CA354019215.

ClinVar aggregate classification (germline): Uncertain significance (1 of 4 stars; one submission).

Submission:

GeneDx
Classification: Uncertain significance. Last evaluated: 2022-09-16. Review status: criteria provided, single submitter. Criteria: GeneDx Variant Classification Process June 2021. Collection method: clinical testing. Allele origin: germline. Affected: yes.
Comment: Not observed at significant frequency in large population cohorts (gnomAD); In silico analysis supports that this missense variant has a deleterious effect on protein structure/function; Has not been previously published as pathogenic or benign to our knowledge